The following is an entry in ClinVar:

NM_002470.4(MYH3):c.971T>A (p.Ile324Lys)

Gene: MYH3 (myosin heavy chain 3; minus strand). Cytogenetic location: 17p13.1.
Variant type: single nucleotide variant.
Coding change: c.971T>A on transcript NM_002470.4 (MANE Select); coding-DNA position 971, T replaced by A.
Protein change: p.Ile324Lys; replaces isoleucine 324 with lysine.
Molecular consequence: missense variant.
Genome position (GRCh38, 1-based): chr17:10,645,960, A>T on the plus strand (T>A on the coding strand, the complement: MYH3 is on the minus strand). VCF-style: chr17-10645960-A-T. GRCh37 (hg19) VCF-style: chr17-10549277-A-T.
Other names: short protein forms I324K.
Identifiers: ClinVar variation 3697145 (VCV003697145.2).

ClinVar aggregate classification (germline): Uncertain significance (1 of 4 stars; one submission).

Submission:

Labcorp Genetics (formerly Invitae), Labcorp
Classification: Uncertain significance. Last evaluated: 2024-05-07. Review status: criteria provided, single submitter. Criteria: Invitae Variant Classification Sherloc (09022015). Collection method: clinical testing. Allele origin: germline.
Comment: This sequence change replaces isoleucine, which is neutral and non-polar, with lysine, which is basic and polar, at codon 324 of the MYH3 protein (p.Ile324Lys). This variant is present in population databases (no rsID available, gnomAD 0.002%). This variant has not been reported in the literature in individuals affected with MYH3-related conditions. Advanced modeling of protein sequence and biophysical properties (such as structural, functional, and spatial information, amino acid conservation, physicochemical variation, residue mobility, and thermodynamic stability) has been performed at Invitae for this missense variant, however the output from this modeling did not meet the statistical confidence thresholds required to predict the impact of this variant on MYH3 protein function. In summary, the available evidence is currently insufficient to determine the role of this variant in disease. Therefore, it has been classified as a Variant of Uncertain Significance.